The following is an entry in ClinVar:

NM_022124.6(CDH23):c.1179C>A (p.Asn393Lys)

Gene: CDH23 (cadherin related 23; plus strand). Cytogenetic location: 10q22.1.
Variant type: single nucleotide variant.
Coding change: c.1179C>A on transcript NM_022124.6 (MANE Select); coding-DNA position 1179, C replaced by A.
Protein change: p.Asn393Lys; replaces asparagine 393 with lysine.
Molecular consequence: missense variant.
Genome position (GRCh38, 1-based): chr10:71,645,869, C>A. VCF-style: chr10-71645869-C-A. GRCh37 (hg19) VCF-style: chr10-73405626-C-A.
Other names: c.1179C>A, p.Asn393Lys (NM_001171930.2, NM_001171931.2, NM_052836.4); short protein forms N393K.
Identifiers: ClinVar variation 2266131 (VCV002266131.4), dbSNP rs761623919, ClinGen allele CA5543725.

ClinVar aggregate classification (germline): Uncertain significance. Review status: criteria provided, multiple submitters, no conflicts (2 of 4 stars). 3 submissions from 3 submitters: Uncertain significance (3). Last evaluated 2024-11-26.

Conditions:
Inborn genetic diseases. Identifiers: MedGen C0950123, MeSH D030342.
CDH23-related disorder. Also called: CDH23-related disorders; CDH23-related condition.

Allele frequency attached by ClinVar (database versions not stated): ExAC 0.00002; gnomAD 0.00001.
gnomAD v4.1: 9 of 1,612,996 alleles (0.00056%); highest among the groups gnomAD compares: African/African-American, 0.0013%; no homozygotes.

Submissions (3):

PreventionGenetics, part of Exact Sciences
Classification: Uncertain significance for CDH23-related condition. Last evaluated: 2024-11-26. Review status: criteria provided, single submitter. Criteria: ACMG Guidelines, 2015. Collection method: clinical testing. Allele origin: germline.
Comment: The CDH23 c.1179C>A variant is predicted to result in the amino acid substitution p.Asn393Lys. To our knowledge, this variant has not been reported in the literature. This variant is reported in 0.00089% of alleles in individuals of European (Non-Finnish) descent in gnomAD. At this time, the clinical significance of this variant is uncertain due to the absence of conclusive functional and genetic evidence.

Ambry Genetics
Classification: Uncertain significance for Inborn genetic diseases. Last evaluated: 2021-12-07. Review status: criteria provided, single submitter. Criteria: Ambry Variant Classification Scheme 2023. Collection method: clinical testing. Allele origin: germline.

Blueprint Genetics
Classification: Uncertain significance. Last evaluated: 2021-08-02. Review status: criteria provided, single submitter. Criteria: ACMG Guidelines, 2015. Collection method: clinical testing. Allele origin: germline.